The following is an entry in ClinVar:

ClinVar aggregate classification (germline): Uncertain significance (1 of 4 stars; one submission).

Submission:

Dasa
Classification: Uncertain significance. Last evaluated: 2025-07-05. Review status: criteria provided, single submitter. Criteria: DASA Assertion Criteria. Collection method: clinical testing. Allele origin: germline.
Comment: NM_000123.4(ERCC5):c.1109G>A (p.Arg370His) is a missense variant that results in the substitution of arginine with histidine. This variant is rare in population databases. Computational prediction algorithms are consistent with a benign effect. The currently available literature and clinical evidence are not sufficient to establish a definitive association between this variant and the reported condition. Therefore, this variant is classified as a variant of uncertain significance.

NM_000123.4(ERCC5):c.1109G>A (p.Arg370His)

Genes: BIVM-ERCC5 (BIVM-ERCC5 readthrough; plus strand), ERCC5 (ERCC excision repair 5, endonuclease; plus strand). Cytogenetic location: 13q33.1.
Variant type: single nucleotide variant.
Coding change: c.1109G>A on transcript NM_000123.4 (MANE Select); coding-DNA position 1109, G replaced by A.
Protein change: p.Arg370His; replaces arginine 370 with histidine.
Molecular consequence: missense variant.
Genome position (GRCh38, 1-based): chr13:102,862,258, G>A. VCF-style: chr13-102862258-G-A. GRCh37 (hg19) VCF-style: chr13-103514608-G-A.
Other names: c.2471G>A, p.Arg824His (NM_001204425.2); short protein forms R370H, R824H.
Identifiers: ClinVar variation 4882904 (VCV004882904.2).
Genomic context (GRCh38, chr13:102,862,258, plus strand): 5'-CTGCCCTGCTGGGAAGTAGCTCAGAAGAGGAGCTGGAGAGTGAAAATCGAAGGCAGGCCC[G>A]TGGGAGGAACGCACCTGCTGCTGTAGACGAAGGCTCCATATCACCCCGGACTCTTTCAGC-3'
Protein context (NP_000114.3, residues 360-380): ELESENRRQA[Arg370His]GRNAPAAVDE